The following is an entry in ClinVar:

NM_145290.4(ADGRA3):c.706+1G>A

Gene: ADGRA3 (adhesion G protein-coupled receptor A3; minus strand). Cytogenetic location: 4p15.2.
Variant type: single nucleotide variant.
Coding change: c.706+1G>A on transcript NM_145290.4 (MANE Select); the canonical splice donor site of the intron after coding-DNA position 706, G replaced by A.
Molecular consequence: splice donor variant.
Genome position (GRCh38, 1-based): chr4:22,444,972, C>T on the plus strand (G>A on the coding strand, the complement: ADGRA3 is on the minus strand). VCF-style: chr4-22444972-C-T. GRCh37 (hg19) VCF-style: chr4-22446595-C-T.
Identifiers: ClinVar variation 2044056 (VCV002044056.4), dbSNP rs1300725464, ClinGen allele CA356478233.

ClinVar aggregate classification (germline): Uncertain significance (1 of 4 stars; one submission).

Allele frequency attached by ClinVar (database versions not stated): gnomAD exomes below 0.00001.
gnomAD v4.1: 1 of 1,612,702 alleles (0.000062%); highest among the groups gnomAD compares: East Asian, 0.0022%; no homozygotes.

Submission:

Labcorp Genetics (formerly Invitae), Labcorp
Classification: Uncertain significance. Last evaluated: 2023-07-21. Review status: criteria provided, single submitter. Criteria: Invitae Variant Classification Sherloc (09022015). Collection method: clinical testing. Allele origin: germline.
Comment: This sequence change affects a donor splice site in intron 6 of the ADGRA3 gene. It is expected to disrupt RNA splicing. Variants that disrupt the donor or acceptor splice site typically lead to a loss of protein function (PMID: 16199547), however the current clinical and genetic evidence is not sufficient to establish whether loss-of-function variants in ADGRA3 cause disease. This variant is not present in population databases (gnomAD no frequency). This variant has not been reported in the literature in individuals affected with ADGRA3-related conditions. ClinVar contains an entry for this variant (Variation ID: 2044056). Algorithms developed to predict the effect of sequence changes on RNA splicing suggest that this variant may disrupt the consensus splice site. In summary, the available evidence is currently insufficient to determine the role of this variant in disease. Therefore, it has been classified as a Variant of Uncertain Significance.

Literature cited by the submitters: PubMed 16199547.